The following is an entry in ClinVar:

ClinVar aggregate classification (germline): Benign/Likely benign. Review status: criteria provided, multiple submitters, no conflicts (2 of 4 stars). 6 submissions from 6 submitters: Benign (1); Likely benign (5). Last evaluated 2025-04-30.

Conditions:
Hereditary cancer-predisposing syndrome. Also called: Tumor predisposition; Neoplastic Syndromes, Hereditary; Hereditary Cancer Syndrome; Hereditary neoplastic syndrome. Identifiers: Orphanet 140162, MedGen C0027672, MeSH D009386, MONDO:0015356.
Familial cancer of breast. Also called: hereditary breast carcinoma; BREAST CANCER, FAMILIAL; Hereditary breast cancer. Identifiers: Orphanet 227535, MedGen C0346153, MONDO:0016419, OMIM 114480. Disease mechanism: loss of function.
Ataxia-telangiectasia syndrome (AT). Also called: LOUIS-BAR SYNDROME; Ataxia-telangiectasia, complementation group D; Ataxia telangiectasia (A-T); AT, COMPLEMENTATION GROUP C; ATAXIA-TELANGIECTASIA, COMPLEMENTATION GROUP A; ATAXIA-TELANGIECTASIA, FRESNO VARIANT. Identifiers: Orphanet 100, MedGen C0004135, MONDO:0008840, OMIM 208900.

Allele frequency attached by ClinVar (database versions not stated): gnomAD 0.00001; TOPMed below 0.00001.
gnomAD v4.1: 14 of 1,613,720 alleles (0.00087%); highest among the groups gnomAD compares: African/African-American, 0.0013%; no homozygotes.

Submissions (6):

Labcorp Genetics (formerly Invitae), Labcorp
Classification: Likely benign for Ataxia-telangiectasia syndrome. Last evaluated: 2025-04-30. Review status: criteria provided, single submitter. Criteria: Invitae Variant Classification Sherloc (09022015). Collection method: clinical testing. Allele origin: germline.

Women's Health and Genetics/Laboratory Corporation of America, LabCorp
Classification: Likely benign. Last evaluated: 2024-08-30. Review status: criteria provided, single submitter. Criteria: LabCorp Variant Classification Summary - May 2015. Collection method: clinical testing. Allele origin: germline.

Myriad Genetics, Inc.
Classification: Benign for Familial cancer of breast. Last evaluated: 2024-04-25. Review status: criteria provided, single submitter. Criteria: Myriad Autosomal Dominant, Autosomal Recessive and X-Linked Classification Criteria (2023). Collection method: clinical testing. Allele origin: unknown.
Comment: This variant is considered benign. This variant is a silent/synonymous amino acid change and it is not expected to impact splicing.

CeGaT Center for Human Genetics Tuebingen
Classification: Likely benign. Last evaluated: 2022-07-01. Review status: criteria provided, single submitter. Criteria: CeGaT Center For Human Genetics Tuebingen Variant Classification Criteria Version 2. Collection method: clinical testing. Allele origin: germline. Affected: yes. Observed: 1 variant allele.
Comment: ATM: BP4, BP7

Color Diagnostics, LLC DBA Color Health
Classification: Likely benign for Hereditary cancer-predisposing syndrome. Last evaluated: 2018-03-08. Review status: criteria provided, single submitter. Criteria: ACMG Guidelines, 2015. Collection method: clinical testing. Allele origin: germline.

Ambry Genetics
Classification: Likely benign for Hereditary cancer-predisposing syndrome. Last evaluated: 2016-04-25. Review status: criteria provided, single submitter. Criteria: Ambry Variant Classification Scheme 2023. Collection method: clinical testing. Allele origin: germline.

NM_000051.4(ATM):c.1197C>T (p.His399=)

Gene: ATM (ATM serine/threonine kinase; plus strand). Cytogenetic location: 11q22.3.
Variant type: single nucleotide variant.
Coding change: c.1197C>T on transcript NM_000051.4 (MANE Select); coding-DNA position 1197, C replaced by T.
Protein change: p.His399=; no amino-acid change (histidine 399 retained).
Molecular consequence: synonymous variant.
Genome position (GRCh38, 1-based): chr11:108,249,064, C>T. VCF-style: chr11-108249064-C-T. GRCh37 (hg19) VCF-style: chr11-108119791-C-T.
Other names: c.1197C>T, p.His399= (NM_001351834.2).
Identifiers: ClinVar variation 183875 (VCV000183875.43), dbSNP rs786201131, ClinGen allele CA186838.